The following is an entry in ClinVar:

NM_005918.4(MDH2):c.71A>G (p.Asn24Ser)

Gene: MDH2 (malate dehydrogenase 2; plus strand). Cytogenetic location: 7q11.23.
Variant type: single nucleotide variant.
Coding change: c.71A>G on transcript NM_005918.4 (MANE Select); coding-DNA position 71, A replaced by G.
Protein change: p.Asn24Ser; replaces asparagine 24 with serine.
Molecular consequence: missense variant. On other transcripts: intron variant (1).
Genome position (GRCh38, 1-based): chr7:76,054,834, A>G. VCF-style: chr7-76054834-A-G. GRCh37 (hg19) VCF-style: chr7-75684152-A-G.
Other names: c.71A>G, p.Asn24Ser (NM_001282403.2); c.-86-2576A>G (NM_001282404.2); short protein forms N24S.
Identifiers: ClinVar variation 2058001 (VCV002058001.2), dbSNP rs146206957, ClinGen allele CA160906936.

ClinVar aggregate classification (germline): Uncertain significance (1 of 4 stars; one submission).

Allele frequency attached by ClinVar (database versions not stated): gnomAD exomes 0.00001; gnomAD 0.00002; TOPMed 0.00004; ESP Exome Variant Server 0.00008.

Submission:

Labcorp Genetics (formerly Invitae), Labcorp
Classification: Uncertain significance. Last evaluated: 2025-11-22. Review status: criteria provided, single submitter. Criteria: Invitae Variant Classification Sherloc (09022015). Collection method: clinical testing. Allele origin: germline.
Comment: This sequence change replaces asparagine, which is neutral and polar, with serine, which is neutral and polar, at codon 24 of the MDH2 protein (p.Asn24Ser). This variant is present in population databases (rs146206957, gnomAD 0.02%). This variant has not been reported in the literature in individuals affected with MDH2-related conditions. ClinVar contains an entry for this variant (Variation ID: 2058001). An algorithm developed to predict the effect of missense changes on protein structure and function (PolyPhen-2) suggests that this variant is likely to be tolerated. In summary, the available evidence is currently insufficient to determine the role of this variant in disease. Therefore, it has been classified as a Variant of Uncertain Significance.